The following is an entry in ClinVar:

ClinVar aggregate classification (germline): Uncertain significance (1 of 4 stars; one submission).

Conditions:
Hereditary sensory and autonomic neuropathy type 7. Also called: Neuropathy, hereditary sensory and autonomic, type VII; HSAN VII. Identifiers: Orphanet 391397, MedGen C3809882, MONDO:0014244, OMIM 615548.
Familial episodic pain syndrome with predominantly lower limb involvement. Also called: Episodic pain syndrome, familial, 3. Identifiers: Orphanet 391384, Orphanet 391392, MedGen C3809899, MONDO:0014247, OMIM 615552.

Allele frequency attached by ClinVar (database versions not stated): ExAC 0.00001.
gnomAD v4.1: 3 of 1,608,046 alleles (0.00019%); highest among the groups gnomAD compares: Non-Finnish European, 0.00026%; no homozygotes.

Submission:

Labcorp Genetics (formerly Invitae), Labcorp
Classification: Uncertain significance for Familial episodic pain syndrome with predominantly lower limb involvement; Hereditary sensory and autonomic neuropathy type 7. Last evaluated: 2024-12-02. Review status: criteria provided, single submitter. Criteria: Invitae Variant Classification Sherloc (09022015). Collection method: clinical testing. Allele origin: germline.
Comment: This sequence change replaces valine, which is neutral and non-polar, with leucine, which is neutral and non-polar, at codon 235 of the SCN11A protein (p.Val235Leu). This variant is present in population databases (rs770885330, gnomAD 0.0009%). This variant has not been reported in the literature in individuals affected with SCN11A-related conditions. ClinVar contains an entry for this variant (Variation ID: 474753). Invitae Evidence Modeling of protein sequence and biophysical properties (such as structural, functional, and spatial information, amino acid conservation, physicochemical variation, residue mobility, and thermodynamic stability) indicates that this missense variant is not expected to disrupt SCN11A protein function with a negative predictive value of 80%. In summary, the available evidence is currently insufficient to determine the role of this variant in disease. Therefore, it has been classified as a Variant of Uncertain Significance.

NM_001349253.2(SCN11A):c.703G>T (p.Val235Leu)

Gene: SCN11A (sodium voltage-gated channel alpha subunit 11; minus strand). Cytogenetic location: 3p22.2.
Variant type: single nucleotide variant.
Coding change: c.703G>T on transcript NM_001349253.2 (MANE Select); coding-DNA position 703, G replaced by T.
Protein change: p.Val235Leu; replaces valine 235 with leucine.
Molecular consequence: missense variant.
Genome position (GRCh38, 1-based): chr3:38,925,424, C>A on the plus strand (G>T on the coding strand, the complement: SCN11A is on the minus strand). VCF-style: chr3-38925424-C-A. GRCh37 (hg19) VCF-style: chr3-38966915-C-A.
Other names: c.703G>T, p.Val235Leu (NM_014139.3); short protein forms V235L.
Identifiers: ClinVar variation 474753 (VCV000474753.5), dbSNP rs770885330, ClinGen allele CA2322547.